The following is an entry in ClinVar:

ClinVar aggregate classification (germline): Uncertain significance (1 of 4 stars; one submission).

Conditions:
X-linked immunodeficiency with magnesium defect, Epstein-Barr virus infection and neoplasia. Identifiers: Orphanet 317476, MedGen C3275445, MONDO:0010455, OMIM 300853.

Submission:

Labcorp Genetics (formerly Invitae), Labcorp
Classification: Uncertain significance for X-linked immunodeficiency with magnesium defect, Epstein-Barr virus infection and neoplasia. Last evaluated: 2024-06-12. Review status: criteria provided, single submitter. Criteria: Invitae Variant Classification Sherloc (09022015). Collection method: clinical testing. Allele origin: germline.
Comment: This sequence change replaces glycine, which is neutral and non-polar, with valine, which is neutral and non-polar, at codon 220 of the MAGT1 protein (p.Gly220Val). This variant is not present in population databases (gnomAD no frequency). This variant has not been reported in the literature in individuals affected with MAGT1-related conditions. Advanced modeling of protein sequence and biophysical properties (such as structural, functional, and spatial information, amino acid conservation, physicochemical variation, residue mobility, and thermodynamic stability) performed at Invitae indicates that this missense variant is not expected to disrupt MAGT1 protein function with a negative predictive value of 80%. In summary, the available evidence is currently insufficient to determine the role of this variant in disease. Therefore, it has been classified as a Variant of Uncertain Significance.

NM_001367916.1(MAGT1):c.563G>T (p.Gly188Val)

Gene: MAGT1 (magnesium transporter 1; minus strand). Cytogenetic location: Xq21.1.
Variant type: single nucleotide variant.
Coding change: c.563G>T on transcript NM_001367916.1 (MANE Select); coding-DNA position 563, G replaced by T.
Protein change: p.Gly188Val; replaces glycine 188 with valine.
Molecular consequence: missense variant.
Genome position (GRCh38, 1-based): chrX:77,856,842, C>A on the plus strand (G>T on the coding strand, the complement: MAGT1 is on the minus strand). VCF-style: chrX-77856842-C-A. GRCh37 (hg19) VCF-style: chrX-77112339-C-A.
Other names: c.659G>T, p.Gly220Val (NM_032121.5); short protein forms G220V, G188V.
Identifiers: ClinVar variation 2832174 (VCV002832174.3), dbSNP rs782569867, ClinGen allele CA413713817.